The following is an entry in ClinVar:

ClinVar aggregate classification (germline): Uncertain significance (1 of 4 stars; one submission).

Submission:

Labcorp Genetics (formerly Invitae), Labcorp
Classification: Uncertain significance. Last evaluated: 2024-11-20. Review status: criteria provided, single submitter. Criteria: Invitae Variant Classification Sherloc (09022015). Collection method: clinical testing. Allele origin: germline.
Comment: This sequence change replaces threonine, which is neutral and polar, with serine, which is neutral and polar, at codon 1310 of the MYH3 protein (p.Thr1310Ser). This variant is not present in population databases (gnomAD no frequency). This variant has not been reported in the literature in individuals affected with MYH3-related conditions. Invitae Evidence Modeling of protein sequence and biophysical properties (such as structural, functional, and spatial information, amino acid conservation, physicochemical variation, residue mobility, and thermodynamic stability) indicates that this missense variant is not expected to disrupt MYH3 protein function with a negative predictive value of 95%. In summary, the available evidence is currently insufficient to determine the role of this variant in disease. Therefore, it has been classified as a Variant of Uncertain Significance.

NM_002470.4(MYH3):c.3929C>G (p.Thr1310Ser)

Gene: MYH3 (myosin heavy chain 3; minus strand). Cytogenetic location: 17p13.1.
Variant type: single nucleotide variant.
Coding change: c.3929C>G on transcript NM_002470.4 (MANE Select); coding-DNA position 3929, C replaced by G.
Protein change: p.Thr1310Ser; replaces threonine 1310 with serine.
Molecular consequence: missense variant.
Genome position (GRCh38, 1-based): chr17:10,635,781, G>C on the plus strand (C>G on the coding strand, the complement: MYH3 is on the minus strand). VCF-style: chr17-10635781-G-C. GRCh37 (hg19) VCF-style: chr17-10539098-G-C.
Other names: short protein forms T1310S.
Identifiers: ClinVar variation 3698893 (VCV003698893.2).